The following is an entry in ClinVar:

ClinVar aggregate classification (germline): Benign/Likely benign. Review status: criteria provided, multiple submitters, no conflicts (2 of 4 stars). 12 submissions from 12 submitters: Benign (1); Likely benign (9). 2 of the submissions do not count toward it. Last evaluated 2025-10-08.

Conditions:
APC-related disorder. Also called: APC-related condition.
Classic or attenuated familial adenomatous polyposis. Identifiers: MedGen CN372698, MONDO:0021057.
Hereditary cancer-predisposing syndrome. Also called: Neoplastic Syndromes, Hereditary; Tumor predisposition; Hereditary Cancer Syndrome; Hereditary neoplastic syndrome. Identifiers: Orphanet 140162, MedGen C0027672, MeSH D009386, MONDO:0015356.
Familial adenomatous polyposis 1 (FAP1). Also called: POLYPOSIS, ADENOMATOUS INTESTINAL; FAMILIAL ADENOMATOUS POLYPOSIS 1, ATTENUATED. Identifiers: MedGen C2713442, MONDO:0021056, OMIM 175100. Disease mechanism: loss of function.
Desmoid disease, hereditary (DESMD). Also called: FIBROMATOSIS, FAMILIAL INFILTRATIVE. Identifiers: Orphanet 873, MedGen C1851124, OMIM 135290. Disease mechanism: loss of function.

Allele frequency attached by ClinVar (database versions not stated): gnomAD 0.00001; gnomAD exomes 0.00001 and 0.00002; TOPMed 0.00001; ExAC 0.00002.
gnomAD v4.1: 15 of 1,613,320 alleles (0.00093%); highest among the groups gnomAD compares: Non-Finnish European, 0.0012%; no homozygotes.

Submissions (12):

Labcorp Genetics (formerly Invitae), Labcorp
Classification: Likely benign for Familial adenomatous polyposis 1. Last evaluated: 2025-10-08. Review status: criteria provided, single submitter. Criteria: Invitae Variant Classification Sherloc (09022015). Collection method: clinical testing. Allele origin: germline.

Blueprint Genetics
Classification: Likely benign. Last evaluated: 2024-01-23. Review status: criteria provided, single submitter. Criteria: ACMG Guidelines, 2015. Collection method: clinical testing. Allele origin: germline.

All of Us Research Program, National Institutes of Health
Classification: Likely benign for Classic or attenuated familial adenomatous polyposis. Last evaluated: 2023-09-18. Review status: criteria provided, single submitter. Criteria: ACMG Guidelines, 2015. Collection method: clinical testing. Allele origin: germline. Inheritance: Autosomal dominant inheritance. Observed: 4 variant alleles, 4 heterozygotes.
Comment: This study involves interpretation of variants in research participants for the purpose of population health screening. Participant phenotype was not available at the time of variant classification. Additional details can be found in publication PMID: 35346344, PMCID: PMC8962531

Department of Pathology and Laboratory Medicine, Sinai Health System
Classification: Likely benign for Familial adenomatous polyposis 1; Desmoid disease, hereditary. Last evaluated: 2023-06-06. Review status: criteria provided, single submitter. Criteria: ACMG Guidelines, 2015. Collection method: clinical testing. Allele origin: germline. Affected: yes.

Myriad Genetics, Inc.
Classification: Benign for Familial adenomatous polyposis 1. Last evaluated: 2023-02-15. Review status: criteria provided, single submitter. Criteria: Myriad Autosomal Dominant, Autosomal Recessive and X-Linked Classification Criteria (2023). Collection method: clinical testing. Allele origin: unknown.
Comment: This variant is considered benign. This variant is a silent/synonymous amino acid change and it is not expected to impact splicing.

Women's Health and Genetics/Laboratory Corporation of America, LabCorp
Classification: Likely benign. Last evaluated: 2022-01-10. Review status: criteria provided, single submitter. Criteria: LabCorp Variant Classification Summary - May 2015. Collection method: clinical testing. Allele origin: germline.

Sema4
Classification: Likely benign for Hereditary cancer-predisposing syndrome. Last evaluated: 2021-08-19. Review status: criteria provided, single submitter. Criteria: Sema4 Curation Guidelines. Collection method: curation. Allele origin: germline.

GeneDx
Classification: Likely benign. Last evaluated: 2020-11-16. Review status: criteria provided, single submitter. Criteria: GeneDx Variant Classification Process June 2021. Collection method: clinical testing. Allele origin: germline. Affected: yes.

Color Diagnostics, LLC DBA Color Health
Classification: Likely benign for Hereditary cancer-predisposing syndrome. Last evaluated: 2016-06-16. Review status: criteria provided, single submitter. Criteria: ACMG Guidelines, 2015. Collection method: clinical testing. Allele origin: germline.

Ambry Genetics
Classification: Likely benign for Hereditary cancer-predisposing syndrome. Last evaluated: 2016-05-06. Review status: criteria provided, single submitter. Criteria: Ambry Variant Classification Scheme 2023. Collection method: clinical testing. Allele origin: germline.

PreventionGenetics, part of Exact Sciences
Classification: Likely benign for APC-related condition. Last evaluated: 2022-11-28. Review status: no assertion criteria provided. Collection method: clinical testing. Allele origin: germline. Not counted in ClinVar's aggregate classification.
Comment: This variant is classified as likely benign based on ACMG/AMP sequence variant interpretation guidelines (Richards et al. 2015 PMID: 25741868, with internal and published modifications).

Counsyl
Classification: Likely benign for Familial adenomatous polyposis 1. Last evaluated: 2016-07-18. Review status: no assertion criteria provided. Collection method: clinical testing. Allele origin: unknown. Not counted in ClinVar's aggregate classification.

NM_000038.6(APC):c.228C>T (p.Asn76=)

Gene: APC (APC regulator of Wnt signaling pathway; plus strand). Cytogenetic location: 5q22.2.
Variant type: single nucleotide variant.
Coding change: c.228C>T on transcript NM_000038.6 (MANE Select); coding-DNA position 228, C replaced by T.
Protein change: p.Asn76=; no amino-acid change (asparagine 76 retained).
Molecular consequence: synonymous variant. On other transcripts: 5 prime UTR variant (1).
Genome position (GRCh38, 1-based): chr5:112,767,196, C>T. VCF-style: chr5-112767196-C-T. GRCh37 (hg19) VCF-style: chr5-112102893-C-T.
Other names: c.228C>T, p.Asn76= (NM_001127510.3, NM_001354895.2, NM_001354896.2 and 2 more transcripts); c.258C>T, p.Asn86= (NM_001127511.3, NM_001354897.2, NM_001354902.2); c.153C>T, p.Asn51= (NM_001354898.2, NM_001354904.2); c.51C>T, p.Asn17= (NM_001354900.2, NM_001354901.2, NM_001354905.2); c.-808C>T (NM_001354906.2).
Identifiers: ClinVar variation 215555 (VCV000215555.29), dbSNP rs766325173, ClinGen allele CA031634.